The following is an entry in ClinVar:

ClinVar aggregate classification (germline): Uncertain significance. Review status: criteria provided, multiple submitters, no conflicts (2 of 4 stars). 2 submissions from 2 submitters: Uncertain significance (2). Last evaluated 2024-10-01.

Allele frequency attached by ClinVar (database versions not stated): ExAC 0.00001; gnomAD exomes 0.00002; TOPMed 0.00003.

Submissions (2):

Ambry Genetics
Classification: Uncertain significance. Last evaluated: 2024-10-01. Review status: criteria provided, single submitter. Criteria: Ambry Variant Classification Scheme 2023. Collection method: clinical testing. Allele origin: germline.

Labcorp Genetics (formerly Invitae), Labcorp
Classification: Uncertain significance. Last evaluated: 2023-06-20. Review status: criteria provided, single submitter. Criteria: Invitae Variant Classification Sherloc (09022015). Collection method: clinical testing. Allele origin: germline.
Comment: In summary, the available evidence is currently insufficient to determine the role of this variant in disease. Therefore, it has been classified as a Variant of Uncertain Significance. An algorithm developed to predict the effect of missense changes on protein structure and function (PolyPhen-2) suggests that this variant is likely to be disruptive. ClinVar contains an entry for this variant (Variation ID: 1389587). This variant has not been reported in the literature in individuals affected with CXCR2-related conditions. This variant is present in population databases (rs199770538, gnomAD 0.004%). This sequence change replaces tyrosine, which is neutral and polar, with phenylalanine, which is neutral and non-polar, at codon 55 of the CXCR2 protein (p.Tyr55Phe).

NM_001557.4(CXCR2):c.164A>T (p.Tyr55Phe)

Gene: CXCR2 (C-X-C motif chemokine receptor 2; plus strand). Cytogenetic location: 2q35.
Variant type: single nucleotide variant.
Coding change: c.164A>T on transcript NM_001557.4 (MANE Select); coding-DNA position 164, A replaced by T.
Protein change: p.Tyr55Phe; replaces tyrosine 55 with phenylalanine.
Molecular consequence: missense variant.
Genome position (GRCh38, 1-based): chr2:218,134,965, A>T. VCF-style: chr2-218134965-A-T. GRCh37 (hg19) VCF-style: chr2-218999688-A-T.
Other names: c.164A>T, p.Tyr55Phe (NM_001168298.2); c.164A>T (NM_001557.3); short protein forms Y55F.
Identifiers: ClinVar variation 1389587 (VCV001389587.5), dbSNP rs199770538, ClinGen allele CA2101655.